The following is an entry in ClinVar:

NM_001034853.2(RPGR):c.2452G>A (p.Glu818Lys)

Gene: RPGR (retinitis pigmentosa GTPase regulator; minus strand). Cytogenetic location: Xp11.4.
Variant type: single nucleotide variant.
Coding change: c.2452G>A on transcript NM_001034853.2 (MANE Select); coding-DNA position 2452, G replaced by A.
Protein change: p.Glu818Lys; replaces glutamic acid 818 with lysine.
Molecular consequence: missense variant. On other transcripts: intron variant (8).
Genome position (GRCh38, 1-based): chrX:38,286,547, C>T on the plus strand (G>A on the coding strand, the complement: RPGR is on the minus strand). VCF-style: chrX-38286547-C-T. GRCh37 (hg19) VCF-style: chrX-38145800-C-T.
Other names: c.1569+4412G>A (NM_001367249.1, NM_001367250.1); c.1902+547G>A (NM_001367245.1); c.1386+4412G>A (NM_001367251.1); c.1719+547G>A (NM_001367246.1); c.1572+4412G>A (NM_001367247.1); c.1905+547G>A (NM_000328.3); c.1602+4412G>A (NM_001367248.1); short protein forms E818K.
Identifiers: ClinVar variation 4801002 (VCV004801002.1).
Genomic context (GRCh38, chrX:38,286,547, plus strand): 5'-CCTCTTCCCCCTCACCCTCCTCCTCTTCCTCTTCCCTCTCTCCTTTCCCCTCCTCTACTT[C>T]CCCTCCCTCTACTTCCCCTCCCTCCTCTTTTTCCTCCCCTCTCCCCTCTGTTTCCTCCTC-3'
Protein context (NP_001030025.1, residues 808-828): KEEGGEVEGG[Glu818Lys]VEEGKGEREE

ClinVar aggregate classification (germline): Uncertain significance (1 of 4 stars; one submission).

Conditions:
Primary ciliary dyskinesia. Also called: Ciliary dyskinesia. Identifiers: Orphanet 244, MedGen C0008780, MONDO:0016575, HP:0012265.

Submission:

Labcorp Genetics (formerly Invitae), Labcorp
Classification: Uncertain significance for Primary ciliary dyskinesia. Last evaluated: 2025-06-23. Review status: criteria provided, single submitter. Criteria: Invitae Variant Classification Sherloc (09022015). Collection method: clinical testing. Allele origin: germline.
Comment: This sequence change replaces glutamic acid, which is acidic and polar, with lysine, which is basic and polar, at codon 818 of the RPGR (ORF15) protein (p.Glu818Lys). This variant is not present in population databases (gnomAD no frequency). This variant has not been reported in the literature in individuals affected with RPGR (ORF15)-related conditions. Invitae Evidence Modeling of protein sequence and biophysical properties (such as structural, functional, and spatial information, amino acid conservation, physicochemical variation, residue mobility, and thermodynamic stability) indicates that this missense variant is not expected to disrupt RPGR (ORF15) protein function with a negative predictive value of 95%. In summary, the available evidence is currently insufficient to determine the role of this variant in disease. Therefore, it has been classified as a Variant of Uncertain Significance.